The following is an entry in ClinVar:

ClinVar aggregate classification (germline): Uncertain significance (1 of 4 stars; one submission).

Conditions:
Charcot-Marie-Tooth disease type 4. Also called: Charcot-Marie-Tooth disease, type IV; Charcot-Marie-Tooth, Type 4. Identifiers: Orphanet 64749, MedGen C4082197, MONDO:0018995.

Allele frequency attached by ClinVar (database versions not stated): gnomAD exomes 0.00001.
gnomAD v4.1: 9 of 1,613,468 alleles (0.00056%); highest among the groups gnomAD compares: Non-Finnish European, 0.00076%; no homozygotes.

Submission:

Labcorp Genetics (formerly Invitae), Labcorp
Classification: Uncertain significance for Charcot-Marie-Tooth disease type 4. Last evaluated: 2021-02-09. Review status: criteria provided, single submitter. Criteria: Invitae Variant Classification Sherloc (09022015). Collection method: clinical testing. Allele origin: germline.
Comment: This variant is not present in population databases (ExAC no frequency). In summary, the available evidence is currently insufficient to determine the role of this variant in disease. Therefore, it has been classified as a Variant of Uncertain Significance. Algorithms developed to predict the effect of missense changes on protein structure and function are either unavailable or do not agree on the potential impact of this missense change (SIFT: "Tolerated"; PolyPhen-2: "Possibly Damaging"; Align-GVGD: "Class C0"). This variant has not been reported in the literature in individuals with SBF2-related conditions. This sequence change replaces leucine with isoleucine at codon 1157 of the SBF2 protein (p.Leu1157Ile). The leucine residue is moderately conserved and there is a small physicochemical difference between leucine and isoleucine.

NM_030962.4(SBF2):c.3469T>A (p.Leu1157Ile)

Gene: SBF2 (SET binding factor 2; minus strand). Cytogenetic location: 11p15.4.
Variant type: single nucleotide variant.
Coding change: c.3469T>A on transcript NM_030962.4 (MANE Select); coding-DNA position 3469, T replaced by A.
Protein change: p.Leu1157Ile; replaces leucine 1157 with isoleucine.
Molecular consequence: missense variant.
Genome position (GRCh38, 1-based): chr11:9,832,407, A>T on the plus strand (T>A on the coding strand, the complement: SBF2 is on the minus strand). VCF-style: chr11-9832407-A-T. GRCh37 (hg19) VCF-style: chr11-9853954-A-T.
Other names: c.3469T>A, p.Leu1157Ile (NM_001386339.1); c.3340T>A, p.Leu1114Ile (NM_001386342.1); short protein forms L1114I, L1157I.
Identifiers: ClinVar variation 1473781 (VCV001473781.8), dbSNP rs2133937354, ClinGen allele CA379645899.